The following is an entry in ClinVar:

ClinVar aggregate classification (germline): Uncertain significance (1 of 4 stars; one submission).

gnomAD v4.1: 3 of 1,595,354 alleles (0.00019%); highest among the groups gnomAD compares: Non-Finnish European, 0.00026%; no homozygotes.

Submission:

GeneDx
Classification: Uncertain significance. Last evaluated: 2025-07-23. Review status: criteria provided, single submitter. Criteria: GeneDx Variant Classification Process June 2021. Collection method: clinical testing. Allele origin: germline. Affected: yes.
Comment: Not observed at significant frequency in large population cohorts (gnomAD); In silico analysis supports that this missense variant has a deleterious effect on protein structure/function; Has not been previously published as pathogenic or benign to our knowledge

NM_014712.3(SETD1A):c.4621C>T (p.Arg1541Trp)

Gene: SETD1A (SET domain containing 1A, histone lysine methyltransferase; plus strand). Cytogenetic location: 16p11.2.
Variant type: single nucleotide variant.
Coding change: c.4621C>T on transcript NM_014712.3 (MANE Select); coding-DNA position 4621, C replaced by T.
Protein change: p.Arg1541Trp; replaces arginine 1541 with tryptophan.
Molecular consequence: missense variant.
Genome position (GRCh38, 1-based): chr16:30,980,778, C>T. VCF-style: chr16-30980778-C-T. GRCh37 (hg19) VCF-style: chr16-30992099-C-T.
Other names: short protein forms R1541W.
Identifiers: ClinVar variation 4686886 (VCV004686886.1).